The following is an entry in ClinVar:

ClinVar aggregate classification (germline): Pathogenic (1 of 4 stars; one submission).

Conditions:
Familial cancer of breast. Also called: Hereditary breast cancer; BREAST CANCER, FAMILIAL; hereditary breast carcinoma. Identifiers: Orphanet 227535, MedGen C0346153, MONDO:0016419, OMIM 114480. Disease mechanism: loss of function.

Submission:

Myriad Genetics, Inc.
Classification: Pathogenic for Familial cancer of breast. Last evaluated: 2023-06-06. Review status: criteria provided, single submitter. Criteria: Myriad Autosomal Dominant, Autosomal Recessive and X-Linked Classification Criteria (2023). Collection method: clinical testing. Allele origin: unknown.
Comment: This variant is considered pathogenic. This variant creates a frameshift predicted to result in premature protein truncation.

NM_032043.3(BRIP1):c.2075del (p.Leu692fs)

Gene: BRIP1 (BRCA1 interacting DNA helicase 1; minus strand). Cytogenetic location: 17q23.2.
Variant type: Deletion.
Coding change: c.2075del on transcript NM_032043.3 (MANE Select); coding-DNA position 2075, one base deleted (T; older notation c.2075delT).
Protein change: p.Leu692fs; shifts the reading frame from leucine 692.
Molecular consequence: frameshift variant.
Genome position (GRCh38, 1-based): chr17:61,776,423, A deleted on the plus strand (T on the coding strand, the reverse complement: BRIP1 is on the minus strand); the first of 4 consecutive A bases (chr17:61,776,423-61,776,426); deleting any one gives the same sequence. VCF-style (leftmost placement, unchanged base first): chr17-61776422-CA-C. GRCh37 (hg19) VCF-style: chr17-59853783-CA-C.
Other names: short protein forms L692fs.
Identifiers: ClinVar variation 2583309 (VCV002583309.2), dbSNP rs2544996423, ClinGen allele CA2582342267.